The following is an entry in ClinVar:

ClinVar aggregate classification (germline): Pathogenic (1 of 4 stars; one submission).

Submission:

Labcorp Genetics (formerly Invitae), Labcorp
Classification: Pathogenic. Last evaluated: 2023-09-08. Review status: criteria provided, single submitter. Criteria: Invitae Variant Classification Sherloc (09022015). Collection method: clinical testing. Allele origin: germline.
Comment: This sequence change creates a premature translational stop signal (p.Glu1484*) in the COL11A2 gene. It is expected to result in an absent or disrupted protein product. Loss-of-function variants in COL11A2 are known to be pathogenic (PMID: 10677296, 21204229). This variant is not present in population databases (gnomAD no frequency). This variant has not been reported in the literature in individuals affected with COL11A2-related conditions. For these reasons, this variant has been classified as Pathogenic.

Literature cited by the submitters: PubMed 10677296; PubMed 21204229.

NM_080680.3(COL11A2):c.4450G>T (p.Glu1484Ter)

Gene: COL11A2 (collagen type XI alpha 2 chain; minus strand). Cytogenetic location: 6p21.32.
Variant type: single nucleotide variant.
Coding change: c.4450G>T on transcript NM_080680.3 (MANE Select); coding-DNA position 4450, G replaced by T.
Protein change: p.Glu1484Ter; replaces glutamic acid 1484 with a stop codon.
Molecular consequence: nonsense.
Genome position (GRCh38, 1-based): chr6:33,165,963, C>A on the plus strand (G>T on the coding strand, the complement: COL11A2 is on the minus strand). VCF-style: chr6-33165963-C-A. GRCh37 (hg19) VCF-style: chr6-33133740-C-A.
Other names: c.4270G>T, p.Glu1424Ter (NM_001424108.1); c.3604G>T, p.Glu1202Ter (NM_001424109.1); c.3424G>T, p.Glu1142Ter (NM_001424110.1, NM_001424111.1); c.2404G>T, p.Glu802Ter (NM_001424112.1); c.4129G>T, p.Glu1377Ter (NM_080679.3); c.4192G>T, p.Glu1398Ter (NM_080681.3); short protein forms E1377*, E802*, E1202*, E1424*, E1484*, E1142*, E1398*.
Identifiers: ClinVar variation 2758786 (VCV002758786.3), dbSNP rs1303980611, ClinGen allele CA363619573.